The following is an entry in ClinVar:

NM_024747.6(HPS6):c.82G>A (p.Gly28Arg)

Genes: HPS6 (HPS6 biogenesis of lysosomal organelles complex 2 subunit 3; plus strand), LOC130004578 (ATAC-STARR-seq lymphoblastoid silent region 2738; plus strand). Cytogenetic location: 10q24.32.
Variant type: single nucleotide variant.
Coding change: c.82G>A on transcript NM_024747.6 (MANE Select); coding-DNA position 82, G replaced by A.
Protein change: p.Gly28Arg; replaces glycine 28 with arginine.
Molecular consequence: missense variant.
Genome position (GRCh38, 1-based): chr10:102,065,556, G>A. VCF-style: chr10-102065556-G-A. GRCh37 (hg19) VCF-style: chr10-103825313-G-A.
Other names: short protein forms G28R.
Identifiers: ClinVar variation 4798967 (VCV004798967.1).
Genomic context (GRCh38, chr10:102,065,556, plus strand): 5'-CGGCTGCTCTCGGACCTGAGCGCCTTCGGCGGCGCGGCGCGGCTCCGGGAGCTGGTGGCC[G>A]GGGACTCAGCGGTCCGAGTCCGTGGCAGTCCGGACGGCCGCCACTTGCTGCTCCTGCGAC-3'
Protein context (NP_079023.2, residues 18-38): GAARLRELVA[Gly28Arg]DSAVRVRGSP

ClinVar aggregate classification (germline): Uncertain significance (1 of 4 stars; one submission).

gnomAD v4.1: 24 of 1,548,972 alleles (0.0015%); highest among the groups gnomAD compares: Non-Finnish European, 0.0019%; no homozygotes.

Submission:

Labcorp Genetics (formerly Invitae), Labcorp
Classification: Uncertain significance. Last evaluated: 2025-12-23. Review status: criteria provided, single submitter. Criteria: Invitae Variant Classification Sherloc (09022015). Collection method: clinical testing. Allele origin: germline.
Comment: This sequence change replaces glycine, which is neutral and non-polar, with arginine, which is basic and polar, at codon 28 of the HPS6 protein (p.Gly28Arg). The frequency data for this variant in the population databases is considered unreliable, as metrics indicate poor data quality at this position in the gnomAD database. This variant has not been reported in the literature in individuals affected with HPS6-related conditions. Invitae Evidence Modeling of protein sequence and biophysical properties (such as structural, functional, and spatial information, amino acid conservation, physicochemical variation, residue mobility, and thermodynamic stability) indicates that this missense variant is not expected to disrupt HPS6 protein function with a negative predictive value of 80%. In summary, the available evidence is currently insufficient to determine the role of this variant in disease. Therefore, it has been classified as a Variant of Uncertain Significance.